The following is an entry in ClinVar:

NM_000053.4(ATP7B):c.2136G>T (p.Trp712Cys)

Gene: ATP7B (ATPase copper transporting beta; minus strand). Cytogenetic location: 13q14.3.
Variant type: single nucleotide variant.
Coding change: c.2136G>T on transcript NM_000053.4 (MANE Select); coding-DNA position 2136, G replaced by T.
Protein change: p.Trp712Cys; replaces tryptophan 712 with cysteine.
Molecular consequence: missense variant. On other transcripts: intron variant (20).
Genome position (GRCh38, 1-based): chr13:51,958,530, C>A on the plus strand (G>T on the coding strand, the complement: ATP7B is on the minus strand). VCF-style: chr13-51958530-C-A. GRCh37 (hg19) VCF-style: chr13-52532666-C-A.
Other names: c.1803G>T, p.Trp601Cys (NM_001243182.2); c.1884G>T, p.Trp628Cys (NM_001330579.2, NM_001406531.1, NM_001406532.1 and 1 more transcripts); c.2136G>T, p.Trp712Cys (NM_001406511.1, NM_001406512.1, NM_001406513.1 and 7 more transcripts); c.2103G>T, p.Trp701Cys (NM_001406514.1); c.2040G>T, p.Trp680Cys (NM_001406517.1, NM_001406518.1); c.1707G>T, p.Trp569Cys (NM_001406539.1); c.1788G>T, p.Trp596Cys (NM_001406543.1); c.1870-923G>T (NM_001406541.1, NM_001005918.3, NM_001406546.1 and 1 more transcripts); and 8 more; short protein forms W569C, W596C, W601C, W628C, W680C, W701C, W712C.
Identifiers: ClinVar variation 3070510 (VCV003070510.1), dbSNP rs1462815352, ClinGen allele CA388023405.

ClinVar aggregate classification (germline): Uncertain significance (1 of 4 stars; one submission).

Conditions:
Wilson disease (WND). Also called: Wilson's disease. Identifiers: Orphanet 905, MedGen C0019202, MONDO:0010200, OMIM 277900. Disease mechanism: loss of function.

Submission:

All of Us Research Program, National Institutes of Health
Classification: Uncertain significance for Wilson disease. Last evaluated: 2023-04-24. Review status: criteria provided, single submitter. Criteria: ACMG Guidelines, 2015. Collection method: clinical testing. Allele origin: germline. Inheritance: Autosomal recessive inheritance. Observed: 1 variant allele, 1 heterozygote.
Comment: This missense variant replaces tryptophan with cysteine at codon 712 of the ATP7B protein. Computational prediction suggests that this variant may have deleterious impact on protein structure and function (internally defined REVEL score threshold >= 0.7, PMID: 27666373). To our knowledge, functional studies have not been reported for this variant. This variant has not been reported in individuals affected with ATP7B-related disorders in the literature. This variant has not been identified in the general population by the Genome Aggregation Database (gnomAD). The available evidence is insufficient to determine the role of this variant in disease conclusively. Therefore, this variant is classified as a Variant of Uncertain Significance.

This study involves interpretation of variants in research participants for the purpose of population health screening. Participant phenotype was not available at the time of variant classification. Additional details can be found in publication PMID: 35346344, PMCID: PMC8962531